The following is an entry in ClinVar:

NM_007294.4(BRCA1):c.1398G>A (p.Arg466=)

Gene: BRCA1 (BRCA1 DNA repair associated; minus strand). Cytogenetic location: 17q21.31.
Variant type: single nucleotide variant.
Coding change: c.1398G>A on transcript NM_007294.4 (MANE Select); coding-DNA position 1398, G replaced by A.
Protein change: p.Arg466=; no amino-acid change (arginine 466 retained).
Molecular consequence: synonymous variant. On other transcripts: intron variant (137).
Genome position (GRCh38, 1-based): chr17:43,094,133, C>T on the plus strand (G>A on the coding strand, the complement: BRCA1 is on the minus strand). VCF-style: chr17-43094133-C-T. GRCh37 (hg19) VCF-style: chr17-41246150-C-T.
Other names: c.1257G>A, p.Arg419= (NM_001407942.1, NM_001407944.1, NM_001407945.1 and 29 more transcripts); c.1254G>A, p.Arg418= (NM_001407943.1, NM_001407964.1, NM_001407740.1 and 20 more transcripts); c.1065G>A, p.Arg355= (NM_001407946.1, NM_001407947.1, NM_001407948.1 and 6 more transcripts); c.1062G>A, p.Arg354= (NM_001407954.1, NM_001407955.1, NM_001407956.1 and 1 more transcripts); c.1017G>A, p.Arg339= (NM_001407959.1, NM_001407960.1, NM_001407963.1); c.1014G>A, p.Arg338= (NM_001407962.1); c.894G>A, p.Arg298= (NM_001407965.1); c.510G>A, p.Arg170= (NM_001407966.1, NM_001407967.1); and 40 more.
Identifiers: ClinVar variation 415575 (VCV000415575.17), dbSNP rs1060504571, ClinGen allele CA16615783.

ClinVar aggregate classification (germline): Likely benign. Review status: criteria provided, multiple submitters, no conflicts (2 of 4 stars). 6 submissions from 6 submitters: Likely benign (6). Last evaluated 2025-08-25.

Conditions:
Hereditary cancer-predisposing syndrome. Also called: Neoplastic Syndromes, Hereditary; Hereditary neoplastic syndrome; Hereditary Cancer Syndrome; Tumor predisposition. Identifiers: Orphanet 140162, MedGen C0027672, MeSH D009386, MONDO:0015356.
Breast-ovarian cancer, familial, susceptibility to, 1 (BROVCA1). Also called: BRCA1 Hereditary Breast and Ovarian Cancer; OVARIAN CANCER, SUSCEPTIBILITY TO. Identifiers: Orphanet 145, MedGen C2676676, MONDO:0011450, OMIM 604370. Disease mechanism: loss of function.
Fanconi anemia, complementation group S (FANCS). Identifiers: MedGen C4554406, MONDO:0054748, OMIM 617883.
Hereditary breast ovarian cancer syndrome. Also called: Hereditary breast and ovarian cancer syndrome; Breast and ovarian cancer; Hereditary breast and ovarian cancer syndrome (HBOC); Hereditary breast and/or ovarian cancer syndrome; BRCA1- and BRCA2-Associated Hereditary Breast and Ovarian Cancer; Hereditary breast and ovarian cancer. Identifiers: Orphanet 145, MedGen C0677776, MeSH D061325, MONDO:0003582. Disease mechanism: loss of function.

Submissions (6):

Labcorp Genetics (formerly Invitae), Labcorp
Classification: Likely benign for Hereditary breast ovarian cancer syndrome. Last evaluated: 2025-08-25. Review status: criteria provided, single submitter. Criteria: Invitae Variant Classification Sherloc (09022015). Collection method: clinical testing. Allele origin: germline.

All of Us Research Program, National Institutes of Health
Classification: Likely benign for Breast-ovarian cancer, familial, susceptibility to, 1. Last evaluated: 2023-10-02. Review status: criteria provided, single submitter. Criteria: ACMG Guidelines, 2015. Collection method: clinical testing. Allele origin: germline. Inheritance: Autosomal dominant inheritance. Observed: 1 variant allele, 1 heterozygote.
Comment: This study involves interpretation of variants in research participants for the purpose of population health screening. Participant phenotype was not available at the time of variant classification. Additional details can be found in publication PMID: 35346344, PMCID: PMC8962531

Color Diagnostics, LLC DBA Color Health
Classification: Likely benign for Hereditary cancer-predisposing syndrome. Last evaluated: 2023-08-23. Review status: criteria provided, single submitter. Criteria: ACMG Guidelines, 2015. Collection method: clinical testing. Allele origin: germline.

Department of Pathology and Laboratory Medicine, Sinai Health System
Classification: Likely benign for Fanconi anemia, complementation group S. Last evaluated: 2022-03-14. Review status: criteria provided, single submitter. Criteria: ACMG Guidelines, 2015. Collection method: clinical testing. Allele origin: germline.

Women's Health and Genetics/Laboratory Corporation of America, LabCorp
Classification: Likely benign. Last evaluated: 2021-10-02. Review status: criteria provided, single submitter. Criteria: LabCorp Variant Classification Summary - May 2015. Collection method: clinical testing. Allele origin: germline.

Ambry Genetics
Classification: Likely benign for Hereditary cancer-predisposing syndrome. Last evaluated: 2015-10-27. Review status: criteria provided, single submitter. Criteria: Ambry Variant Classification Scheme 2023. Collection method: clinical testing. Allele origin: germline.